The following is an entry in ClinVar:

ClinVar aggregate classification (germline): Uncertain significance (1 of 4 stars; one submission).

Submission:

Labcorp Genetics (formerly Invitae), Labcorp
Classification: Uncertain significance. Last evaluated: 2024-10-22. Review status: criteria provided, single submitter. Criteria: Invitae Variant Classification Sherloc (09022015). Collection method: clinical testing. Allele origin: germline.
Comment: This sequence change replaces glutamic acid, which is acidic and polar, with lysine, which is basic and polar, at codon 1120 of the NBAS protein (p.Glu1120Lys). This variant is not present in population databases (gnomAD no frequency). This variant has not been reported in the literature in individuals affected with NBAS-related conditions. ClinVar contains an entry for this variant (Variation ID: 1950141). Invitae Evidence Modeling of protein sequence and biophysical properties (such as structural, functional, and spatial information, amino acid conservation, physicochemical variation, residue mobility, and thermodynamic stability) indicates that this missense variant is not expected to disrupt NBAS protein function with a negative predictive value of 95%. In summary, the available evidence is currently insufficient to determine the role of this variant in disease. Therefore, it has been classified as a Variant of Uncertain Significance.

NM_015909.4(NBAS):c.3358G>A (p.Glu1120Lys)

Gene: NBAS (NBAS subunit of NRZ tethering complex; minus strand). Cytogenetic location: 2p24.3.
Variant type: single nucleotide variant.
Coding change: c.3358G>A on transcript NM_015909.4 (MANE Select); coding-DNA position 3358, G replaced by A.
Protein change: p.Glu1120Lys; replaces glutamic acid 1120 with lysine.
Molecular consequence: missense variant. On other transcripts: non-coding transcript variant (1).
Genome position (GRCh38, 1-based): chr2:15,383,217, C>T on the plus strand (G>A on the coding strand, the complement: NBAS is on the minus strand). VCF-style: chr2-15383217-C-T. GRCh37 (hg19) VCF-style: chr2-15523341-C-T.
Other names: short protein forms E1120K.
Identifiers: ClinVar variation 1950141 (VCV001950141.5), dbSNP rs2528785956, ClinGen allele CA345897889.